The following is an entry in ClinVar:

ClinVar aggregate classification (germline): Uncertain significance. Review status: criteria provided, multiple submitters, no conflicts (2 of 4 stars). 2 submissions from 2 submitters: Uncertain significance (2). Last evaluated 2024-01-20.

Conditions:
Spondylometaphyseal dysplasia - Sutcliffe type. Also called: Spondylometaphyseal Dysplasia, Corner Fracture Type; Sutcliffe type of spondylometaphyseal dysplasia; Sutcliffe SMD; Spondylometaphyseal dysplasia, 'corner fracture' type. Identifiers: Orphanet 93315, MedGen C0432221, MONDO:0008479, OMIM 184255.
Glomerulopathy with fibronectin deposits 2 (GFND2). Identifiers: Orphanet 84090, MedGen C1866075, MONDO:0011165, OMIM 601894.

Allele frequency attached by ClinVar (database versions not stated): gnomAD exomes below 0.00001; gnomAD 0.00001; TOPMed 0.00001; ExAC 0.00004.
gnomAD v4.1: 3 of 1,559,772 alleles (0.00019%); highest among the groups gnomAD compares: Non-Finnish European, 0.00026%; no homozygotes.

Submissions (2):

Fulgent Genetics
Classification: Uncertain significance for Spondylometaphyseal dysplasia - Sutcliffe type; Glomerulopathy with fibronectin deposits 2. Last evaluated: 2024-01-20. Review status: criteria provided, single submitter. Criteria: ACMG Guidelines, 2015. Collection method: clinical testing. Allele origin: germline.

Labcorp Genetics (formerly Invitae), Labcorp
Classification: Uncertain significance. Last evaluated: 2022-05-03. Review status: criteria provided, single submitter. Criteria: Invitae Variant Classification Sherloc (09022015). Collection method: clinical testing. Allele origin: germline.
Comment: This variant has not been reported in the literature in individuals affected with FN1-related conditions. In summary, the available evidence is currently insufficient to determine the role of this variant in disease. Therefore, it has been classified as a Variant of Uncertain Significance. Experimental studies and prediction algorithms are not available or were not evaluated, and the functional significance of this variant is currently unknown. This variant is present in population databases (rs778969485, gnomAD 0.001%). This sequence change replaces arginine, which is basic and polar, with serine, which is neutral and polar, at codon 3 of the FN1 protein (p.Arg3Ser).

NM_212482.4(FN1):c.9G>C (p.Arg3Ser)

Genes: FN1 (fibronectin 1; minus strand), FN1-DT (FN1 divergent transcript; plus strand). Cytogenetic location: 2q35.
Variant type: single nucleotide variant.
Coding change: c.9G>C on transcript NM_212482.4 (MANE Select); coding-DNA position 9, G replaced by C.
Protein change: p.Arg3Ser; replaces arginine 3 with serine.
Molecular consequence: missense variant.
Genome position (GRCh38, 1-based): chr2:215,435,794, C>G on the plus strand (G>C on the coding strand, the complement: FN1 is on the minus strand). VCF-style: chr2-215435794-C-G. GRCh37 (hg19) VCF-style: chr2-216300517-C-G.
Other names: c.9G>C, p.Arg3Ser (NM_001306129.2, NM_001306130.2, NM_001306131.2 and 14 more transcripts); short protein forms R3S.
Identifiers: ClinVar variation 1963963 (VCV001963963.6), dbSNP rs778969485, ClinGen allele CA2095707.